The following is an entry in ClinVar:

ClinVar aggregate classification (germline): Uncertain significance. Review status: criteria provided, multiple submitters, no conflicts (2 of 4 stars). 2 submissions from 2 submitters: Uncertain significance (2). Last evaluated 2017-11-17.

Conditions:
Dilated cardiomyopathy 1G (CMD1G). Identifiers: Orphanet 154, MedGen C1858763, MONDO:0011400, OMIM 604145.
Autosomal recessive limb-girdle muscular dystrophy type 2J (LGMDR10). Also called: MUSCULAR DYSTROPHY, LIMB-GIRDLE, AUTOSOMAL RECESSIVE 10; Limb-girdle muscular dystrophy, type 2J. Identifiers: Orphanet 140922, MedGen C1837342, MONDO:0012127, OMIM 608807.

Allele frequency attached by ClinVar (database versions not stated): gnomAD exomes below 0.00001; TOPMed 0.00003.
gnomAD v4.1: 1 of 1,612,554 alleles (0.000062%); highest among the groups gnomAD compares: African/African-American, 0.0013%; no homozygotes.

Submissions (2):

Labcorp Genetics (formerly Invitae), Labcorp
Classification: Uncertain significance for Dilated cardiomyopathy 1G; Autosomal recessive limb-girdle muscular dystrophy type 2J. Last evaluated: 2017-11-17. Review status: criteria provided, single submitter. Criteria: Invitae Variant Classification Sherloc (09022015). Collection method: clinical testing. Allele origin: germline.

GeneDx
Classification: Uncertain significance. Last evaluated: 2014-09-10. Review status: criteria provided, single submitter. Criteria: GeneDx Variant Classification (06012015). Collection method: clinical testing. Allele origin: germline. Affected: yes.
Comment: Missense variants in the TTN gene are considered 'unclassified' if they are not previously reported in the literature and do not have >1% frequency in the population to be considered a polymorphism. Research indicates that truncating mutations in the TTN gene are expected to account for approximately 25% of familial and 18% of sporadic idiopathic DCM; however, truncating variants in the TTN gene have been reported in approximately 3% of reported control alleles. There has been little investigation into non-truncating variants. (Herman D et al. Truncations of titin causing dilated cardiomyopathy. N Eng J Med 366:619-628, 2012) The variant is found in CARDIOMYOPATHY panel(s).

NM_001267550.2(TTN):c.49174G>A (p.Ala16392Thr)

Genes: TTN-AS1 (TTN antisense RNA 1; plus strand), TTN (titin; minus strand), LOC126806426 (BRD4-independent group 4 enhancer GRCh37_chr2:179478848-179480047; plus strand). Cytogenetic location: 2q31.2.
Variant type: single nucleotide variant.
Coding change: c.49174G>A on transcript NM_001267550.2 (MANE Select); coding-DNA position 49174, G replaced by A.
Protein change: p.Ala16392Thr; replaces alanine 16392 with threonine.
Molecular consequence: missense variant. On other transcripts: non-coding transcript variant (1).
Genome position (GRCh38, 1-based): chr2:178,614,223, C>T on the plus strand (G>A on the coding strand, the complement: TTN is on the minus strand). VCF-style: chr2-178614223-C-T. GRCh37 (hg19) VCF-style: chr2-179478950-C-T.
Other names: p.A14751T:GCA>ACA; c.44251G>A, p.Ala14751Thr (NM_001256850.1); c.21979G>A, p.Ala7327Thr (NM_003319.4); c.41470G>A, p.Ala13824Thr (NM_133378.4); c.22354G>A, p.Ala7452Thr (NM_133432.3); c.22555G>A, p.Ala7519Thr (NM_133437.4); short protein forms A14751T, A16392T, A13824T, A7327T, A7452T, A7519T.
Identifiers: ClinVar variation 202674 (VCV000202674.4), dbSNP rs794729446, ClinGen allele CA309944.